The following is an entry in ClinVar:

NM_000478.6(ALPL):c.3G>C (p.Met1Ile)

Gene: ALPL (alkaline phosphatase, biomineralization associated; plus strand). Cytogenetic location: 1p36.12.
Variant type: single nucleotide variant.
Coding change: c.3G>C on transcript NM_000478.6 (MANE Select); coding-DNA position 3, G replaced by C.
Protein change: p.Met1Ile; changes the start codon (methionine 1).
Molecular consequence: missense variant, initiator codon variant. On other transcripts: intron variant (2).
Genome position (GRCh38, 1-based): chr1:21,554,084, G>C. VCF-style: chr1-21554084-G-C. GRCh37 (hg19) VCF-style: chr1-21880577-G-C.
Other names: c.3G>C, p.Met1Ile (NM_001369805.2, NM_001369803.2, NM_001369804.2); c.-104-6542G>C (NM_001127501.4); c.-54-6542G>C (NM_001177520.3); short protein forms M1I.
Identifiers: ClinVar variation 2700107 (VCV002700107.3), dbSNP rs1362833043, ClinGen allele CA338876288.

ClinVar aggregate classification (germline): Pathogenic (1 of 4 stars; one submission).

Submission:

Labcorp Genetics (formerly Invitae), Labcorp
Classification: Pathogenic. Last evaluated: 2023-12-01. Review status: criteria provided, single submitter. Criteria: Invitae Variant Classification Sherloc (09022015). Collection method: clinical testing. Allele origin: germline.
Comment: This sequence change affects the initiator methionine of the ALPL mRNA. The next in-frame methionine is located at codon 56. This variant is not present in population databases (gnomAD no frequency). Disruption of the initiator codon has been observed in individual(s) with hypophosphatasia (PMID: 21419245). It has also been observed to segregate with disease in related individuals. This variant disrupts a region of the ALPL protein in which other variant(s) (p.Ala33Val) have been determined to be pathogenic (PMID: 1409720, 15694177, 17253930, 22397652, 25731960). This suggests that this is a clinically significant region of the protein, and that variants that disrupt it are likely to be disease-causing. For these reasons, this variant has been classified as Pathogenic.

Literature cited by the submitters: PubMed 21419245; PubMed 1409720; PubMed 15694177; PubMed 17253930; PubMed 22397652; PubMed 25731960.